The following is an entry in ClinVar:

NM_004727.3(SLC24A1):c.1447G>A (p.Val483Ile)

Gene: SLC24A1 (solute carrier family 24 member 1; plus strand). Cytogenetic location: 15q22.31.
Variant type: single nucleotide variant.
Coding change: c.1447G>A on transcript NM_004727.3 (MANE Select); coding-DNA position 1447, G replaced by A.
Protein change: p.Val483Ile; replaces valine 483 with isoleucine.
Molecular consequence: missense variant.
Genome position (GRCh38, 1-based): chr15:65,625,527, G>A. VCF-style: chr15-65625527-G-A. GRCh37 (hg19) VCF-style: chr15-65917865-G-A.
Other names: c.1447G>A, p.Val483Ile (NM_001301031.1, NM_001301032.1, NM_001301033.2); c.1447G>A (NM_004727.2); short protein forms V483I.
Identifiers: ClinVar variation 1485302 (VCV001485302.10), dbSNP rs186098933, ClinGen allele CA7619910.

ClinVar aggregate classification (germline): Uncertain significance. Review status: criteria provided, multiple submitters, no conflicts (2 of 4 stars). 4 submissions from 4 submitters: Uncertain significance (4). Last evaluated 2026-01-30.

Conditions:
Inborn genetic diseases. Identifiers: MedGen C0950123, MeSH D030342.

Allele frequency attached by ClinVar (database versions not stated): gnomAD 0.00003; TOPMed 0.00005; gnomAD exomes 0.00010; ExAC 0.00012; 1000 Genomes Project 0.00020; 1000 Genomes Project 30x 0.00031.
gnomAD v4.1: 25 of 1,614,044 alleles (0.0015%); highest among the groups gnomAD compares: East Asian, 0.049%; no homozygotes.

Submissions (4):

GeneDx
Classification: Uncertain significance. Last evaluated: 2026-01-30. Review status: criteria provided, single submitter. Criteria: GeneDx Variant Classification Process June 2021. Collection method: clinical testing. Allele origin: germline.
Comment: In silico analysis suggests that this missense variant does not alter protein structure/function; Has not been previously published as pathogenic or benign to our knowledge

Blueprint Genetics
Classification: Uncertain significance. Last evaluated: 2024-05-24. Review status: criteria provided, single submitter. Criteria: ACMG Guidelines, 2015. Collection method: clinical testing. Allele origin: germline.

Ambry Genetics
Classification: Uncertain significance for Inborn genetic diseases. Last evaluated: 2024-05-20. Review status: criteria provided, single submitter. Criteria: Ambry Variant Classification Scheme 2023. Collection method: clinical testing. Allele origin: germline.

Labcorp Genetics (formerly Invitae), Labcorp
Classification: Uncertain significance. Last evaluated: 2022-08-20. Review status: criteria provided, single submitter. Criteria: Invitae Variant Classification Sherloc (09022015). Collection method: clinical testing. Allele origin: germline.
Comment: This sequence change replaces valine, which is neutral and non-polar, with isoleucine, which is neutral and non-polar, at codon 483 of the SLC24A1 protein (p.Val483Ile). This variant is present in population databases (rs186098933, gnomAD 0.1%). This variant has not been reported in the literature in individuals affected with SLC24A1-related conditions. ClinVar contains an entry for this variant (Variation ID: 1485302). Algorithms developed to predict the effect of missense changes on protein structure and function output the following: SIFT: "Deleterious"; PolyPhen-2: "Possibly Damaging"; Align-GVGD: "Class C25". The isoleucine amino acid residue is found in multiple mammalian species, which suggests that this missense change does not adversely affect protein function. In summary, the available evidence is currently insufficient to determine the role of this variant in disease. Therefore, it has been classified as a Variant of Uncertain Significance.